The following is an entry in ClinVar:

NM_024598.4(USB1):c.243G>A (p.Trp81Ter)

Gene: USB1 (U6 snRNA biogenesis phosphodiesterase 1; plus strand). Cytogenetic location: 16q21.
Variant type: single nucleotide variant.
Coding change: c.243G>A on transcript NM_024598.4 (MANE Select); coding-DNA position 243, G replaced by A.
Protein change: p.Trp81Ter; replaces tryptophan 81 with a stop codon.
Molecular consequence: nonsense.
Genome position (GRCh38, 1-based): chr16:58,002,623, G>A. VCF-style: chr16-58002623-G-A. GRCh37 (hg19) VCF-style: chr16-58036527-G-A.
Other names: c.243G>A, p.Trp81Ter (NM_001195302.2, NM_001204911.2, NM_001330569.2); c.90G>A, p.Trp30Ter (NM_001330568.2); short protein forms W81*, W30*.
Identifiers: ClinVar variation 156347 (VCV000156347.6), dbSNP rs137853973, ClinGen allele CA170841.
Genomic context (GRCh38, chr16:58,002,623, plus strand): 5'-AGATGACAGCACAAAACACGGGGGACGGGTGCGCACCTTCCCCCACGAGCGAGGCAACTG[G>A]GCCACCCACGTCTATGTACCATGTGAGTGATGTGTGAAAGGCAAGTTGCCAAGACCCATA-3'

ClinVar aggregate classification (germline): Pathogenic. Review status: no assertion criteria provided (0 of 4 stars). 3 submissions from 3 submitters: Pathogenic (1). 2 of the submissions do not count toward it. Last evaluated 2010-10-01.

Conditions:
Poikiloderma with neutropenia (PN). Identifiers: Orphanet 221046, MedGen C1858723, MONDO:0011405, OMIM 604173.

Allele frequency attached by ClinVar (database versions not stated): gnomAD exomes 0.00001; ExAC 0.00002.
gnomAD v4.1: 4 of 1,613,898 alleles (0.00025%); highest among the groups gnomAD compares: Non-Finnish European, 0.00034%; no homozygotes.

Submissions (3):

OMIM
Classification: Pathogenic for POIKILODERMA WITH NEUTROPENIA. Last evaluated: 2010-10-01. Review status: no assertion criteria provided. Collection method: literature only. Allele origin: germline.

ClinVar Staff, National Center for Biotechnology Information (NCBI)
No classification provided. Condition: Poikiloderma with neutropenia. Review status: no classification provided. Collection method: not provided. Allele origin: germline. Not counted in ClinVar's aggregate classification.

GeneReviews
No classification provided. Condition: Poikiloderma with neutropenia. Review status: no classification provided. Collection method: literature only. Allele origin: germline. Not counted in ClinVar's aggregate classification.
Comment: p.(Trp81Ter) was identified in three Northern European families [Arnold et al 2010, Walne et al 2010, Piard et al 2012].

Literature cited by the submitters: PubMed 20618321 (cited by OMIM and GeneReviews); PubMed 20817924 (cited by OMIM and GeneReviews); PubMed 29770900 (cited by OMIM); PubMed 21872685 (cited by GeneReviews); PubMed 29072891 (cited by GeneReviews).